The following is an entry in ClinVar:

ClinVar aggregate classification (germline): Uncertain significance (1 of 4 stars; one submission).

Conditions:
Hereditary spastic paraplegia 47. Also called: Spastic paraplegia 47, autosomal recessive; CEREBRAL PALSY, SPASTIC QUADRIPLEGIC, 5; adaptor protein 4 (AP-4) deficiency syndrome. Identifiers: Orphanet 280763, MedGen C3279738, MONDO:0013551, OMIM 614066.

Submission:

Labcorp Genetics (formerly Invitae), Labcorp
Classification: Uncertain significance for Hereditary spastic paraplegia 47. Last evaluated: 2022-10-17. Review status: criteria provided, single submitter. Criteria: Invitae Variant Classification Sherloc (09022015). Collection method: clinical testing. Allele origin: germline.
Comment: This variant has not been reported in the literature in individuals affected with AP4B1-related conditions. This variant is not present in population databases (gnomAD no frequency). This sequence change replaces leucine, which is neutral and non-polar, with isoleucine, which is neutral and non-polar, at codon 661 of the AP4B1 protein (p.Leu661Ile). ClinVar contains an entry for this variant (Variation ID: 1511724). In summary, the available evidence is currently insufficient to determine the role of this variant in disease. Therefore, it has been classified as a Variant of Uncertain Significance. Algorithms developed to predict the effect of missense changes on protein structure and function are either unavailable or do not agree on the potential impact of this missense change (SIFT: "Tolerated"; PolyPhen-2: "Probably Damaging"; Align-GVGD: "Class C0").

NM_001253852.3(AP4B1):c.1981C>A (p.Leu661Ile)

Genes: AP4B1 (adaptor related protein complex 4 subunit beta 1; minus strand), AP4B1-AS1 (AP4B1 antisense RNA 1; plus strand). Cytogenetic location: 1p13.2.
Variant type: single nucleotide variant.
Coding change: c.1981C>A on transcript NM_001253852.3 (MANE Select); coding-DNA position 1981, C replaced by A.
Protein change: p.Leu661Ile; replaces leucine 661 with isoleucine.
Molecular consequence: missense variant.
Genome position (GRCh38, 1-based): chr1:113,895,304, G>T on the plus strand (C>A on the coding strand, the complement: AP4B1 is on the minus strand). VCF-style: chr1-113895304-G-T. GRCh37 (hg19) VCF-style: chr1-114437926-G-T.
Other names: c.1684C>A, p.Leu562Ile (NM_001253853.3); c.1477C>A, p.Leu493Ile (NM_001308312.2); c.1981C>A, p.Leu661Ile (NM_006594.5); short protein forms L562I, L661I, L493I.
Identifiers: ClinVar variation 1511724 (VCV001511724.8), dbSNP rs1667326839, ClinGen allele CA341706588.